The following is an entry in ClinVar:

ClinVar aggregate classification (germline): Uncertain significance. Review status: criteria provided, single submitter (1 of 4 stars). 2 submissions from 2 submitters: Uncertain significance (1). 1 of the submissions does not count toward it. Last evaluated 2024-12-21.

Conditions:
Retinal dystrophy. Also called: Inherited retinal dystrophy. Identifiers: Orphanet 71862, MedGen C0854723, MeSH D058499, MONDO:0019118, HP:0000556.
Primary ciliary dyskinesia. Also called: Ciliary dyskinesia. Identifiers: Orphanet 244, MedGen C0008780, MONDO:0016575, HP:0012265.

Submissions (2):

Labcorp Genetics (formerly Invitae), Labcorp
Classification: Uncertain significance for Primary ciliary dyskinesia. Last evaluated: 2024-12-21. Review status: criteria provided, single submitter. Criteria: Invitae Variant Classification Sherloc (09022015). Collection method: clinical testing. Allele origin: germline.
Comment: This sequence change replaces glycine, which is neutral and non-polar, with valine, which is neutral and non-polar, at codon 357 of the RPGR protein (p.Gly357Val). This variant is not present in population databases (gnomAD no frequency). This variant has not been reported in the literature in individuals affected with RPGR-related conditions. Invitae Evidence Modeling of protein sequence and biophysical properties (such as structural, functional, and spatial information, amino acid conservation, physicochemical variation, residue mobility, and thermodynamic stability) indicates that this missense variant is expected to disrupt RPGR protein function with a positive predictive value of 95%. In summary, the available evidence is currently insufficient to determine the role of this variant in disease. Therefore, it has been classified as a Variant of Uncertain Significance.

Institute of Human Genetics, Univ. Regensburg, Univ. Regensburg
Classification: Uncertain significance for Retinal dystrophy. Last evaluated: 2018-01-01. Review status: no assertion criteria provided. Criteria: ACMG Guidelines, 2015. Collection method: clinical testing. Allele origin: germline. Affected: yes. Not counted in ClinVar's aggregate classification.

NM_001034853.2(RPGR):c.1070G>T (p.Gly357Val)

Gene: RPGR (retinitis pigmentosa GTPase regulator; minus strand). Cytogenetic location: Xp11.4.
Variant type: single nucleotide variant.
Coding change: c.1070G>T on transcript NM_001034853.2 (MANE Select); coding-DNA position 1070, G replaced by T.
Protein change: p.Gly357Val; replaces glycine 357 with valine.
Molecular consequence: missense variant. On other transcripts: non-coding transcript variant (6), intron variant (2).
Genome position (GRCh38, 1-based): chrX:38,299,131, C>A on the plus strand (G>T on the coding strand, the complement: RPGR is on the minus strand). VCF-style: chrX-38299131-C-A. GRCh37 (hg19) VCF-style: chrX-38158384-C-A.
Other names: c.1060-1679G>T (NM_001367251.1, NM_001367246.1); c.1070G>T, p.Gly357Val (NM_000328.3, NM_001367247.1); c.1067G>T, p.Gly356Val (NM_001367245.1, NM_001367249.1, NM_001367250.1); c.1100G>T, p.Gly367Val (NM_001367248.1); short protein forms G356V, G357V, G367V.
Identifiers: ClinVar variation 3250309 (VCV003250309.3).
Genomic context (GRCh38, chrX:38,299,131, plus strand): 5'-AATTCAATTTCTTTTGCCACACCACGATGAGGAGCAGCAAAAACTACCATGTGACATCCA[C>A]CACAAGCAACCTGCAGCATAAATCCACAGAAAAACTCATCAACATTGGCTTCAAACACAA-3'
Protein context (NP_001030025.1, residues 347-367): LRFIVKLVAC[Gly357Val]GCHMVVFAAP